The following is an entry in ClinVar:

NM_002693.3(POLG):c.818T>G (p.Phe273Cys)

Gene: POLG (DNA polymerase gamma, catalytic subunit; minus strand). Cytogenetic location: 15q26.1.
Variant type: single nucleotide variant.
Coding change: c.818T>G on transcript NM_002693.3 (MANE Select); coding-DNA position 818, T replaced by G.
Protein change: p.Phe273Cys; replaces phenylalanine 273 with cysteine.
Molecular consequence: missense variant.
Genome position (GRCh38, 1-based): chr15:89,330,118, A>C on the plus strand (T>G on the coding strand, the complement: POLG is on the minus strand). VCF-style: chr15-89330118-A-C. GRCh37 (hg19) VCF-style: chr15-89873349-A-C.
Other names: c.818T>G, p.Phe273Cys (NM_001126131.2); short protein forms F273C.
Identifiers: ClinVar variation 3393715 (VCV003393715.1).

ClinVar aggregate classification (germline): Uncertain significance (1 of 4 stars; one submission).

Submission:

GeneDx
Classification: Uncertain significance. Last evaluated: 2024-07-03. Review status: criteria provided, single submitter. Criteria: GeneDx Variant Classification Process June 2021. Collection method: clinical testing. Allele origin: germline. Affected: yes.
Comment: Not observed at significant frequency in large population cohorts (gnomAD); In silico analysis supports that this missense variant has a deleterious effect on protein structure/function; Has not been previously published as pathogenic or benign to our knowledge